The following is an entry in ClinVar:

NM_014365.3(HSPB8):c.559C>T (p.Pro187Ser)

Gene: HSPB8 (heat shock protein family B (small) member 8; plus strand). Cytogenetic location: 12q24.23.
Variant type: single nucleotide variant.
Coding change: c.559C>T on transcript NM_014365.3 (MANE Select); coding-DNA position 559, C replaced by T.
Protein change: p.Pro187Ser; replaces proline 187 with serine.
Molecular consequence: missense variant.
Genome position (GRCh38, 1-based): chr12:119,193,826, C>T. VCF-style: chr12-119193826-C-T. GRCh37 (hg19) VCF-style: chr12-119631631-C-T.
Other names: short protein forms P187S.
Identifiers: ClinVar variation 1425385 (VCV001425385.6), dbSNP rs1829801528, ClinGen allele CA386532797.

ClinVar aggregate classification (germline): Uncertain significance (1 of 4 stars; one submission).

Conditions:
Charcot-Marie-Tooth disease axonal type 2L. Also called: CHARCOT-MARIE-TOOTH DISEASE, AXONAL, AUTOSOMAL DOMINANT, TYPE 2L; CHARCOT-MARIE-TOOTH NEUROPATHY, AXONAL, TYPE 2L; Charcot-Marie-Tooth Neuropathy Type 2L. Identifiers: Orphanet 99945, MedGen C1837552, MONDO:0012096, OMIM 608673.

Allele frequency attached by ClinVar (database versions not stated): TOPMed below 0.00001.

Submission:

Labcorp Genetics (formerly Invitae), Labcorp
Classification: Uncertain significance for Charcot-Marie-Tooth disease axonal type 2L. Last evaluated: 2021-09-14. Review status: criteria provided, single submitter. Criteria: Invitae Variant Classification Sherloc (09022015). Collection method: clinical testing. Allele origin: germline.
Comment: This sequence change replaces proline with serine at codon 187 of the HSPB8 protein (p.Pro187Ser). The proline residue is highly conserved and there is a moderate physicochemical difference between proline and serine. This variant is not present in population databases (ExAC no frequency). This variant has not been reported in the literature in individuals affected with HSPB8-related conditions. Algorithms developed to predict the effect of missense changes on protein structure and function are either unavailable or do not agree on the potential impact of this missense change (SIFT: "Deleterious"; PolyPhen-2: "Benign"; Align-GVGD: "Class C0"). In summary, the available evidence is currently insufficient to determine the role of this variant in disease. Therefore, it has been classified as a Variant of Uncertain Significance.